The following is an entry in ClinVar:

NM_014639.4(SKIC3):c.1151A>T (p.Asn384Ile)

Gene: SKIC3 (SKI3 subunit of superkiller complex; minus strand). Cytogenetic location: 5q15.
Variant type: single nucleotide variant.
Coding change: c.1151A>T on transcript NM_014639.4 (MANE Select); coding-DNA position 1151, A replaced by T.
Protein change: p.Asn384Ile; replaces asparagine 384 with isoleucine.
Molecular consequence: missense variant.
Genome position (GRCh38, 1-based): chr5:95,525,657, T>A on the plus strand (A>T on the coding strand, the complement: SKIC3 is on the minus strand). VCF-style: chr5-95525657-T-A. GRCh37 (hg19) VCF-style: chr5-94861361-T-A.
Other names: short protein forms N384I.
Identifiers: ClinVar variation 1350115 (VCV001350115.6), dbSNP rs2112339529, ClinGen allele CA360464946.

ClinVar aggregate classification (germline): Uncertain significance (1 of 4 stars; one submission).

Submission:

Labcorp Genetics (formerly Invitae), Labcorp
Classification: Uncertain significance. Last evaluated: 2023-04-06. Review status: criteria provided, single submitter. Criteria: Invitae Variant Classification Sherloc (09022015). Collection method: clinical testing. Allele origin: germline.
Comment: In summary, the available evidence is currently insufficient to determine the role of this variant in disease. Therefore, it has been classified as a Variant of Uncertain Significance. An algorithm developed to predict the effect of missense changes on protein structure and function (PolyPhen-2) suggests that this variant¬† is likely to be tolerated. ClinVar contains an entry for this variant (Variation ID: 1350115). This variant has not been reported in the literature in individuals affected with TTC37-related conditions. This variant is not present in population databases (gnomAD no frequency). This sequence change replaces asparagine, which is neutral and polar, with isoleucine, which is neutral and non-polar, at codon 384 of the TTC37 protein (p.Asn384Ile).